The following is an entry in ClinVar:

NM_001843.4(CNTN1):c.94+4A>G

Gene: CNTN1 (contactin 1; plus strand). Cytogenetic location: 12q12.
Variant type: single nucleotide variant.
Coding change: c.94+4A>G on transcript NM_001843.4 (MANE Select); 4 bases into the intron after coding-DNA position 94, A replaced by G.
Molecular consequence: intron variant.
Genome position (GRCh38, 1-based): chr12:40,910,109, A>G. VCF-style: chr12-40910109-A-G. GRCh37 (hg19) VCF-style: chr12-41303911-A-G.
Other names: c.94+4A>G (NM_001256063.2, NM_001256064.2); c.61+1616A>G (NM_175038.2).
Identifiers: ClinVar variation 1923030 (VCV001923030.2), dbSNP rs374325231, ClinGen allele CA235412263.

ClinVar aggregate classification (germline): Uncertain significance (1 of 4 stars; one submission).

Conditions:
Compton-North congenital myopathy (CMYO12). Identifiers: Orphanet 210163, MedGen C2675527, MONDO:0012929, OMIM 612540.

Allele frequency attached by ClinVar (database versions not stated): TOPMed below 0.00001; ESP Exome Variant Server 0.00008.

Submission:

Labcorp Genetics (formerly Invitae), Labcorp
Classification: Uncertain significance for Compton-North congenital myopathy. Last evaluated: 2022-05-25. Review status: criteria provided, single submitter. Criteria: Invitae Variant Classification Sherloc (09022015). Collection method: clinical testing. Allele origin: germline.
Comment: This sequence change falls in intron 3 of the CNTN1 gene. It does not directly change the encoded amino acid sequence of the CNTN1 protein. It affects a nucleotide within the consensus splice site. This variant is not present in population databases (gnomAD no frequency). This variant has not been reported in the literature in individuals affected with CNTN1-related conditions. Variants that disrupt the consensus splice site are a relatively common cause of aberrant splicing (PMID: 17576681, 9536098). Algorithms developed to predict the effect of sequence changes on RNA splicing suggest that this variant may disrupt the consensus splice site. In summary, the available evidence is currently insufficient to determine the role of this variant in disease. Therefore, it has been classified as a Variant of Uncertain Significance.

Literature cited by the submitters: PubMed 17576681; PubMed 9536098.